The following is an entry in ClinVar:

ClinVar aggregate classification (germline): Pathogenic/Likely pathogenic. Review status: criteria provided, multiple submitters, no conflicts (2 of 4 stars). 3 submissions from 3 submitters: Pathogenic (2); Likely pathogenic (1). Last evaluated 2022-09-06.

Conditions:
CNGA3-related disorders.

Submissions (3):

Labcorp Genetics (formerly Invitae), Labcorp
Classification: Pathogenic. Last evaluated: 2022-09-06. Review status: criteria provided, single submitter. Criteria: Invitae Variant Classification Sherloc (09022015). Collection method: clinical testing. Allele origin: germline.
Comment: ClinVar contains an entry for this variant (Variation ID: 872331). This premature translational stop signal has been observed in individual(s) with cone-rod dystrophy (PMID: 24903488). This variant is present in population databases (no rsID available, gnomAD 0.006%). This sequence change creates a premature translational stop signal (p.Val373Argfs*4) in the CNGA3 gene. While this is not anticipated to result in nonsense mediated decay, it is expected to disrupt the last 322 amino acid(s) of the CNGA3 protein. This variant disrupts a region of the CNGA3 protein in which other variant(s) (p.Arg499*) have been determined to be pathogenic (PMID: 24269407, 26992781; Invitae). This suggests that this is a clinically significant region of the protein, and that variants that disrupt it are likely to be disease-causing. For these reasons, this variant has been classified as Pathogenic.

Blueprint Genetics
Classification: Likely pathogenic for CNGA3-related disorders. Last evaluated: 2022-06-24. Review status: criteria provided, single submitter. Criteria: ACMG Guidelines, 2015. Collection method: clinical testing. Allele origin: germline. Affected: yes. Observed: 1 variant allele.

CeGaT Center for Human Genetics Tuebingen
Classification: Pathogenic. Last evaluated: 2018-10-01. Review status: criteria provided, single submitter. Criteria: CeGaT Center For Human Genetics Tuebingen Variant Classification Criteria Version 2. Collection method: clinical testing. Allele origin: germline. Affected: yes. Observed: 2 variant alleles.

Literature cited by the submitters: PubMed 24903488 (cited by Labcorp Genetics (formerly Invitae), Labcorp); PubMed 24269407 (cited by Labcorp Genetics (formerly Invitae), Labcorp); PubMed 26992781 (cited by Labcorp Genetics (formerly Invitae), Labcorp).

NM_001298.3(CNGA3):c.1116dup (p.Val373fs)

Gene: CNGA3 (cyclic nucleotide gated channel subunit alpha 3; plus strand). Cytogenetic location: 2q11.2.
Variant type: Duplication.
Coding change: c.1116dup on transcript NM_001298.3 (MANE Select); coding-DNA position 1116, one base duplicated (C; older notation c.1116dupC).
Protein change: p.Val373fs; shifts the reading frame from valine 373.
Molecular consequence: frameshift variant.
Genome position (GRCh38, 1-based): chr2:98,396,286, C duplicated; the last of 6 consecutive C bases (chr2:98,396,281-98,396,286); duplicating any one gives the same sequence. VCF-style (leftmost placement, unchanged base first): chr2-98396280-A-AC. GRCh37 (hg19) VCF-style: chr2-99012743-A-AC.
Other names: c.1062dup, p.Val355fs (NM_001079878.2); short protein forms V355fs, V373fs.
Identifiers: ClinVar variation 872331 (VCV000872331.47), dbSNP rs958089715, ClinGen allele CA52635438.